The following is an entry in ClinVar:

NM_032237.5(POMK):c.223G>A (p.Glu75Lys)

Gene: POMK (protein O-mannose kinase; plus strand). Cytogenetic location: 8p11.21.
Variant type: single nucleotide variant.
Coding change: c.223G>A on transcript NM_032237.5 (MANE Select); coding-DNA position 223, G replaced by A.
Protein change: p.Glu75Lys; replaces glutamic acid 75 with lysine.
Molecular consequence: missense variant.
Genome position (GRCh38, 1-based): chr8:43,103,771, G>A. VCF-style: chr8-43103771-G-A. GRCh37 (hg19) VCF-style: chr8-42958914-G-A.
Other names: c.223G>A, p.Glu75Lys (NM_001277971.2); short protein forms E75K.
Identifiers: ClinVar variation 2418888 (VCV002418888.3), dbSNP rs1186833383, ClinGen allele CA371117681.

ClinVar aggregate classification (germline): Uncertain significance (1 of 4 stars; one submission).

Conditions:
Limb-girdle muscular dystrophy due to POMK deficiency. Also called: Muscular dystrophy-dystroglycanopathy (limb-girdle), type c, 12; MUSCULAR DYSTROPHY-DYSTROGLYCANOPATHY, LIMB-GIRDLE, POMK-RELATED. Identifiers: Orphanet 445110, MedGen C4015184, MONDO:0014489, OMIM 616094.
Muscular dystrophy-dystroglycanopathy (congenital with brain and eye anomalies), type a, 12 (MDDGA12). Also called: WALKER-WARBURG SYNDROME OR MUSCLE-EYE-BRAIN DISEASE, POMK-RELATED. Identifiers: Orphanet 899, MedGen C3808964, MONDO:0014101, OMIM 615249.

Allele frequency attached by ClinVar (database versions not stated): gnomAD exomes below 0.00001; gnomAD 0.00001; TOPMed 0.00002.
gnomAD v4.1: 3 of 1,614,112 alleles (0.00019%); highest among the groups gnomAD compares: South Asian, 0.0022%; no homozygotes.

Submission:

Labcorp Genetics (formerly Invitae), Labcorp
Classification: Uncertain significance for Muscular dystrophy-dystroglycanopathy (congenital with brain and eye anomalies), type a, 12; Limb-girdle muscular dystrophy due to POMK deficiency. Last evaluated: 2022-04-04. Review status: criteria provided, single submitter. Criteria: Invitae Variant Classification Sherloc (09022015). Collection method: clinical testing. Allele origin: germline.
Comment: In summary, the available evidence is currently insufficient to determine the role of this variant in disease. Therefore, it has been classified as a Variant of Uncertain Significance. Algorithms developed to predict the effect of missense changes on protein structure and function (SIFT, PolyPhen-2, Align-GVGD) all suggest that this variant is likely to be tolerated. This variant has not been reported in the literature in individuals affected with POMK-related conditions. This variant is present in population databases (no rsID available, gnomAD 0.003%). This sequence change replaces glutamic acid, which is acidic and polar, with lysine, which is basic and polar, at codon 75 of the POMK protein (p.Glu75Lys).